The following is an entry in ClinVar:

ClinVar aggregate classification (germline): Uncertain significance (1 of 4 stars; one submission).

Submission:

Labcorp Genetics (formerly Invitae), Labcorp
Classification: Uncertain significance. Last evaluated: 2022-06-07. Review status: criteria provided, single submitter. Criteria: Invitae Variant Classification Sherloc (09022015). Collection method: clinical testing. Allele origin: germline.
Comment: This sequence change replaces leucine, which is neutral and non-polar, with phenylalanine, which is neutral and non-polar, at codon 657 of the CDH2 protein (p.Leu657Phe). This variant is not present in population databases (gnomAD no frequency). This variant has not been reported in the literature in individuals affected with CDH2-related conditions. Algorithms developed to predict the effect of missense changes on protein structure and function are either unavailable or do not agree on the potential impact of this missense change (SIFT: "Deleterious"; PolyPhen-2: "Possibly Damaging"; Align-GVGD: "Class C0"). In summary, the available evidence is currently insufficient to determine the role of this variant in disease. Therefore, it has been classified as a Variant of Uncertain Significance.

NM_001792.5(CDH2):c.1969C>T (p.Leu657Phe)

Gene: CDH2 (cadherin 2; minus strand). Cytogenetic location: 18q12.1.
Variant type: single nucleotide variant.
Coding change: c.1969C>T on transcript NM_001792.5 (MANE Select); coding-DNA position 1969, C replaced by T.
Protein change: p.Leu657Phe; replaces leucine 657 with phenylalanine.
Molecular consequence: missense variant.
Genome position (GRCh38, 1-based): chr18:27,985,534, G>A on the plus strand (C>T on the coding strand, the complement: CDH2 is on the minus strand). VCF-style: chr18-27985534-G-A. GRCh37 (hg19) VCF-style: chr18-25565498-G-A.
Other names: c.1876C>T, p.Leu626Phe (NM_001308176.2); short protein forms L626F, L657F.
Identifiers: ClinVar variation 2002722 (VCV002002722.4), dbSNP rs2510792968, ClinGen allele CA402107167.
Genomic context (GRCh38, chr18:27,985,534, plus strand): 5'-AGGCTTCAAAATCTCTCAACTGCACATATATTCAAATAATTAACCTGTTCTTACCATTAA[G>A]CCGAGTGATGGTCCAATTTCTCTTAATAGTCACTGGAGATAAAGGAAGATCAAAAGCAAA-3'
Protein context (NP_001783.2, residues 647-667): TIKRNWTITR[Leu657Phe]NGDFAQLNLK